The following is an entry in ClinVar:

ClinVar aggregate classification (germline): Pathogenic/Likely pathogenic. Review status: criteria provided, multiple submitters, no conflicts (2 of 4 stars). 4 submissions from 4 submitters: Pathogenic (2); Likely pathogenic (1). 1 of the submissions does not count toward it. Last evaluated 2025-05-18.

Conditions:
Hereditary breast ovarian cancer syndrome. Also called: Breast and ovarian cancer; Hereditary breast and ovarian cancer; BRCA1- and BRCA2-Associated Hereditary Breast and Ovarian Cancer; Hereditary breast and/or ovarian cancer syndrome; Hereditary breast and ovarian cancer syndrome; Hereditary breast and ovarian cancer syndrome (HBOC). Identifiers: Orphanet 145, MedGen C0677776, MeSH D061325, MONDO:0003582. Disease mechanism: loss of function.
Familial cancer of breast. Also called: hereditary breast carcinoma; Hereditary breast cancer; BREAST CANCER, FAMILIAL. Identifiers: Orphanet 227535, MedGen C0346153, MONDO:0016419, OMIM 114480. Disease mechanism: loss of function.

Submissions (4):

Labcorp Genetics (formerly Invitae), Labcorp
Classification: Pathogenic for Hereditary breast ovarian cancer syndrome. Last evaluated: 2025-05-18. Review status: criteria provided, single submitter. Criteria: Invitae Variant Classification Sherloc (09022015). Collection method: clinical testing. Allele origin: germline.
Comment: This sequence change affects an acceptor splice site in intron 17 of the BRCA2 gene. RNA analysis indicates that disruption of this splice site induces altered splicing and may result in an absent or altered protein product. This variant is not present in population databases (gnomAD no frequency). Disruption of this splice site has been observed in individual(s) with breast cancer (PMID: 33461583, 36232564). ClinVar contains an entry for this variant (Variation ID: 439008). Studies have shown that disruption of this splice site results in skipping of exon 18, and produces a non-functional protein and/or introduces a premature termination codon (PMID: 16211554, 22006311, 32398771; internal data). For these reasons, this variant has been classified as Pathogenic.

Baylor Genetics
Classification: Pathogenic for Familial cancer of breast. Last evaluated: 2023-08-15. Review status: criteria provided, single submitter. Criteria: ACMG Guidelines, 2015. Collection method: clinical testing. Allele origin: unknown.

Quest Diagnostics Nichols Institute San Juan Capistrano
Classification: Likely pathogenic. Last evaluated: 2017-03-01. Review status: criteria provided, single submitter. Criteria: Quest Diagnostics criteria. Collection method: clinical testing. Allele origin: germline.

Department of Pathology and Laboratory Medicine, Sinai Health System
Classification: Likely pathogenic. Review status: no assertion criteria provided. Collection method: clinical testing. Allele origin: unknown. Affected: yes. Study: The Canadian Open Genetics Repository (COGR). Not counted in ClinVar's aggregate classification.
Comment: The BRCA2 c.7977-2A>G variant was not identified in the literature nor was it identified in the dbSNP, Clinvitae, GeneInsight-COGR, Cosmic, MutDB, LOVD 3.0, UMD-LSDB, BIC Database, ARUP Laboratories, Zhejiang Colon Cancer Database, the 1000 Genomes Project, the NHLBI GO Exome Sequencing Project, the Exome Aggregation Consortium (August 8th 2016), or the Genome Aggregation Database (Feb 27, 2017). The variant was identified in ClinVar (as likely pathogenic by Quest Diagnostics Nichols Institute San Juan Capistrano). The c.7977-2A>G variant is predicted to cause abnormal splicing because the nucleotide substitution occurs in the invariant region (-1, -2, +1, +2) of the splice consensus sequence. In addition, 5 of 5 in silico or computational prediction software programs (SpliceSiteFinder, MaxEntScan, NNSPLICE, GeneSplicer, HumanSpliceFinder) predict a greater than 10% difference in splicing. In summary, based on the above information the clinical significance of this variant cannot be determined with certainty at this time although we would lean towards a more pathogenic role for this variant. This variant is classified as likely pathogenic.

Literature cited by the submitters: PubMed 33461583 (cited by Labcorp Genetics (formerly Invitae), Labcorp); PubMed 36232564 (cited by Labcorp Genetics (formerly Invitae), Labcorp); PubMed 16211554 (cited by Labcorp Genetics (formerly Invitae), Labcorp); PubMed 22006311 (cited by Labcorp Genetics (formerly Invitae), Labcorp); PubMed 32398771 (cited by Labcorp Genetics (formerly Invitae), Labcorp).

NM_000059.4(BRCA2):c.7977-2A>G

Gene: BRCA2 (BRCA2 DNA repair associated; plus strand). Cytogenetic location: 13q13.1.
Variant type: single nucleotide variant.
Coding change: c.7977-2A>G on transcript NM_000059.4 (MANE Select); the canonical splice acceptor site of the intron before coding-DNA position 7977, A replaced by G.
Molecular consequence: splice acceptor variant.
Genome position (GRCh38, 1-based): chr13:32,363,177, A>G. VCF-style: chr13-32363177-A-G. GRCh37 (hg19) VCF-style: chr13-32937314-A-G.
Other names: c.7977-2A>G (NM_001406720.1); c.7881-2A>G (NM_001406719.1); c.3045-2A>G (NM_001406721.1); c.1560-2A>G (NM_001406722.1).
Identifiers: ClinVar variation 439008 (VCV000439008.9), dbSNP rs276174899, ClinGen allele CA387748410.